The following is an entry in ClinVar:

ClinVar aggregate classification (germline): Uncertain significance. Review status: criteria provided, multiple submitters, no conflicts (2 of 4 stars). 5 submissions from 5 submitters: Uncertain significance (5). Last evaluated 2026-06-15.

Conditions:
Inborn genetic diseases. Identifiers: MedGen C0950123, MeSH D030342.
RP1-related disorder. Also called: RP1-related condition.
Retinitis pigmentosa (RP). Identifiers: Orphanet 791, MedGen C0035334, MeSH D012174, MONDO:0019200, OMIM 268000. Inheritance: Autosomal dominant, autosomal recessive and X linked inheritance.

Allele frequency attached by ClinVar (database versions not stated): gnomAD exomes below 0.00001 and 0.00001; gnomAD 0.00006 and 0.00008; TOPMed 0.00009.
gnomAD v4.1: 24 of 1,614,094 alleles (0.0015%); highest among the groups gnomAD compares: African/African-American, 0.028%; no homozygotes.

Submissions (5):

PreventionGenetics, part of Exact Sciences
Classification: Uncertain significance for RP1-related condition. Last evaluated: 2026-06-15. Review status: criteria provided, single submitter. Criteria: ACMG Guidelines, 2015. Collection method: clinical testing. Allele origin: germline.
Comment: The RP1 c.4856A>G variant is predicted to result in the amino acid substitution p.Gln1619Arg. To our knowledge, this variant has not been reported in the literature. This variant is reported in 0.0062% of alleles in individuals of African descent in gnomAD. At this time, the clinical significance of this variant is uncertain due to the absence of conclusive functional and genetic evidence.

Labcorp Genetics (formerly Invitae), Labcorp
Classification: Uncertain significance. Last evaluated: 2025-01-08. Review status: criteria provided, single submitter. Criteria: Invitae Variant Classification Sherloc (09022015). Collection method: clinical testing. Allele origin: germline.
Comment: This sequence change replaces glutamine, which is neutral and polar, with arginine, which is basic and polar, at codon 1619 of the RP1 protein (p.Gln1619Arg). This variant is present in population databases (rs113911625, gnomAD 0.007%). This variant has not been reported in the literature in individuals affected with RP1-related conditions. ClinVar contains an entry for this variant (Variation ID: 908236). An algorithm developed to predict the effect of missense changes on protein structure and function outputs the following: PolyPhen-2: "Benign". The arginine amino acid residue is found in multiple mammalian species, which suggests that this missense change does not adversely affect protein function. In summary, the available evidence is currently insufficient to determine the role of this variant in disease. Therefore, it has been classified as a Variant of Uncertain Significance.

Blueprint Genetics
Classification: Uncertain significance. Last evaluated: 2022-09-06. Review status: criteria provided, single submitter. Criteria: ACMG Guidelines, 2015. Collection method: clinical testing. Allele origin: germline.

Ambry Genetics
Classification: Uncertain significance for Inborn genetic diseases. Last evaluated: 2021-07-09. Review status: criteria provided, single submitter. Criteria: Ambry Variant Classification Scheme 2023. Collection method: clinical testing. Allele origin: germline.

Illumina Laboratory Services, Illumina
Classification: Uncertain significance for Retinitis pigmentosa. Last evaluated: 2018-01-13. Review status: criteria provided, single submitter. Criteria: ICSL Variant Classification Criteria 13 December 2019. Collection method: clinical testing. Allele origin: germline.

NM_006269.2(RP1):c.4856A>G (p.Gln1619Arg)

Gene: RP1 (RP1 axonemal microtubule associated; plus strand). Cytogenetic location: 8q12.1.
Variant type: single nucleotide variant.
Coding change: c.4856A>G on transcript NM_006269.2 (MANE Select); coding-DNA position 4856, A replaced by G.
Protein change: p.Gln1619Arg; replaces glutamine 1619 with arginine.
Molecular consequence: missense variant. On other transcripts: intron variant (1).
Genome position (GRCh38, 1-based): chr8:54,628,738, A>G. VCF-style: chr8-54628738-A-G. GRCh37 (hg19) VCF-style: chr8-55541298-A-G.
Other names: c.787+6450A>G (NM_001375654.1); short protein forms Q1619R.
Identifiers: ClinVar variation 908236 (VCV000908236.13), dbSNP rs113911625, ClinGen allele CA177182563.